The following is an entry in ClinVar:

ClinVar aggregate classification (germline): Pathogenic. Review status: criteria provided, multiple submitters, no conflicts (2 of 4 stars). 5 submissions from 5 submitters: Pathogenic (5). Last evaluated 2025-07-29.

Conditions:
NPHP1-related disorder. Also called: NPHP1-related disorders; NPHP1-related condition.
Nephronophthisis. Also called: Juvenile Nephronophthisis. Identifiers: Orphanet 655, MedGen C0687120, MONDO:0019005, HP:0000090.
Nephronophthisis 1 (NPHP1). Also called: Nephronophthisis familial juvenile. Identifiers: Orphanet 655, Orphanet 93592, MedGen C1855681, MONDO:0009728, OMIM 256100.
Senior-Loken syndrome 1 (SLSN1). Also called: JUVENILE NEPHRONOPHTHISIS WITH LEBER AMAUROSIS. Identifiers: Orphanet 3156, MedGen C4551559, MONDO:0009962, OMIM 266900.
Joubert syndrome with renal defect. Also called: JOUBERT SYNDROME 4. Identifiers: Orphanet 220497, MedGen C1846790, MONDO:0012308, OMIM 609583.

Allele frequency attached by ClinVar (database versions not stated): ExAC 0.00001; gnomAD exomes 0.00001 and 0.00002.

Submissions (5):

Labcorp Genetics (formerly Invitae), Labcorp
Classification: Pathogenic for Nephronophthisis. Last evaluated: 2025-07-29. Review status: criteria provided, single submitter. Criteria: Invitae Variant Classification Sherloc (09022015). Collection method: clinical testing. Allele origin: germline.
Comment: This sequence change creates a premature translational stop signal (p.Arg347*) in the NPHP1 gene. It is expected to result in an absent or disrupted protein product. Loss-of-function variants in NPHP1 are known to be pathogenic (PMID: 23559409). This variant is present in population databases (rs765263671, gnomAD 0.009%). This premature translational stop signal has been observed in individual(s) with nephronophthisis (PMID: 18076122). ClinVar contains an entry for this variant (Variation ID: 579607). Algorithms developed to predict the effect of sequence changes on RNA splicing suggest that this variant may disrupt the consensus splice site. For these reasons, this variant has been classified as Pathogenic.

Fulgent Genetics
Classification: Pathogenic for Nephronophthisis 1; Senior-Loken syndrome 1; Joubert syndrome with renal defect. Last evaluated: 2024-05-14. Review status: criteria provided, single submitter. Criteria: ACMG Guidelines, 2015. Collection method: clinical testing. Allele origin: germline.

Baylor Genetics
Classification: Pathogenic for Joubert syndrome with renal defect. Last evaluated: 2024-02-29. Review status: criteria provided, single submitter. Criteria: ACMG Guidelines, 2015. Collection method: clinical testing. Allele origin: unknown.

Blueprint Genetics
Classification: Pathogenic for NPHP1-related disorders. Last evaluated: 2021-09-22. Review status: criteria provided, single submitter. Criteria: ACMG Guidelines, 2015. Collection method: clinical testing. Allele origin: germline. Affected: yes. Observed: 1 variant allele.

CeGaT Center for Human Genetics Tuebingen
Classification: Pathogenic. Last evaluated: 2020-06-01. Review status: criteria provided, single submitter. Criteria: CeGaT Center For Human Genetics Tuebingen Variant Classification Criteria Version 2. Collection method: clinical testing. Allele origin: germline. Affected: yes. Observed: 1 variant allele.

Literature cited by the submitters: PubMed 23559409 (cited by Labcorp Genetics (formerly Invitae), Labcorp); PubMed 18076122 (cited by Labcorp Genetics (formerly Invitae), Labcorp).

NM_001128178.3(NPHP1):c.871C>T (p.Arg291Ter)

Gene: NPHP1 (nephrocystin 1; minus strand). Cytogenetic location: 2q13.
Variant type: single nucleotide variant.
Coding change: c.871C>T on transcript NM_001128178.3 (MANE Select); coding-DNA position 871, C replaced by T.
Protein change: p.Arg291Ter; replaces arginine 291 with a stop codon.
Molecular consequence: nonsense.
Genome position (GRCh38, 1-based): chr2:110,161,686, G>A on the plus strand (C>T on the coding strand, the complement: NPHP1 is on the minus strand). VCF-style: chr2-110161686-G-A. GRCh37 (hg19) VCF-style: chr2-110919263-G-A.
Other names: c.1039C>T, p.Arg347Ter (NM_000272.5); c.682C>T, p.Arg228Ter (NM_001128179.3); c.868C>T, p.Arg290Ter (NM_001374256.1); c.871C>T, p.Arg291Ter (NM_001374257.1); c.1036C>T, p.Arg346Ter (NM_207181.4); short protein forms R347*, R228*, R346*, R291*, R290*.
Identifiers: ClinVar variation 579607 (VCV000579607.50), dbSNP rs765263671, ClinGen allele CA1827180.